The following is an entry in ClinVar:

ClinVar aggregate classification (germline): Uncertain significance (1 of 4 stars; one submission).

Conditions:
Usher syndrome type 3B. Also called: USHER SYNDROME, TYPE IIIB. Identifiers: MedGen C3281066, MONDO:0013788, OMIM 614504.

Submission:

Labcorp Genetics (formerly Invitae), Labcorp
Classification: Uncertain significance for Usher syndrome type 3B. Last evaluated: 2022-08-31. Review status: criteria provided, single submitter. Criteria: Invitae Variant Classification Sherloc (09022015). Collection method: clinical testing. Allele origin: germline.
Comment: Variants that disrupt the consensus splice site are a relatively common cause of aberrant splicing (PMID: 17576681, 9536098). Algorithms developed to predict the effect of sequence changes on RNA splicing suggest that this variant may disrupt the consensus splice site. This sequence change affects codon 60 of the HARS mRNA. It is a 'silent' change, meaning that it does not change the encoded amino acid sequence of the HARS protein. This variant also falls at the last nucleotide of exon 2, which is part of the consensus splice site for this exon. This variant is not present in population databases (gnomAD no frequency). This variant has not been reported in the literature in individuals affected with HARS-related conditions. In summary, the available evidence is currently insufficient to determine the role of this variant in disease. Therefore, it has been classified as a Variant of Uncertain Significance.

Literature cited by the submitters: PubMed 17576681; PubMed 9536098.

NM_002109.6(HARS1):c.180G>A (p.Lys60=)

Gene: HARS1 (histidyl-tRNA synthetase 1; minus strand). Cytogenetic location: 5q31.3.
Variant type: single nucleotide variant.
Coding change: c.180G>A on transcript NM_002109.6 (MANE Select); coding-DNA position 180, G replaced by A.
Protein change: p.Lys60=; no amino-acid change (lysine 60 retained).
Molecular consequence: synonymous variant.
Genome position (GRCh38, 1-based): chr5:140,690,855, C>T on the plus strand (G>A on the coding strand, the complement: HARS1 is on the minus strand). VCF-style: chr5-140690855-C-T. GRCh37 (hg19) VCF-style: chr5-140070440-C-T.
Other names: c.180G>A, p.Lys60= (NM_001258040.3, NM_001258041.3, NM_001258042.3 and 2 more transcripts); c.93G>A, p.Lys31= (NM_001289094.2).
Identifiers: ClinVar variation 2028198 (VCV002028198.4), dbSNP rs2481338207, ClinGen allele CA446622076.